The following is an entry in ClinVar:

ClinVar aggregate classification (germline): Uncertain significance (1 of 4 stars; one submission).

gnomAD v4.1: 3 of 1,613,452 alleles (0.00019%); highest among the groups gnomAD compares: East Asian, 0.0022%; no homozygotes.

Submission:

Labcorp Genetics (formerly Invitae), Labcorp
Classification: Uncertain significance. Last evaluated: 2025-05-10. Review status: criteria provided, single submitter. Criteria: Invitae Variant Classification Sherloc (09022015). Collection method: clinical testing. Allele origin: germline.
Comment: This sequence change replaces valine, which is neutral and non-polar, with alanine, which is neutral and non-polar, at codon 938 of the RAI1 protein (p.Val938Ala). This variant is not present in population databases (gnomAD no frequency). This variant has not been reported in the literature in individuals affected with RAI1-related conditions. Invitae Evidence Modeling of protein sequence and biophysical properties (such as structural, functional, and spatial information, amino acid conservation, physicochemical variation, residue mobility, and thermodynamic stability) has been performed for this missense variant. However, the output from this modeling did not meet the statistical confidence thresholds required to predict the impact of this variant on RAI1 protein function. In summary, the available evidence is currently insufficient to determine the role of this variant in disease. Therefore, it has been classified as a Variant of Uncertain Significance.

NM_030665.4(RAI1):c.2813T>C (p.Val938Ala)

Gene: RAI1 (retinoic acid induced 1; plus strand). Cytogenetic location: 17p11.2.
Variant type: single nucleotide variant.
Coding change: c.2813T>C on transcript NM_030665.4 (MANE Select); coding-DNA position 2813, T replaced by C.
Protein change: p.Val938Ala; replaces valine 938 with alanine.
Molecular consequence: missense variant.
Genome position (GRCh38, 1-based): chr17:17,795,761, T>C. VCF-style: chr17-17795761-T-C. GRCh37 (hg19) VCF-style: chr17-17699075-T-C.
Other names: short protein forms V938A.
Identifiers: ClinVar variation 4742362 (VCV004742362.1).